The following is an entry in ClinVar:

ClinVar aggregate classification (germline): Uncertain significance. Review status: criteria provided, multiple submitters, no conflicts (2 of 4 stars). 3 submissions from 3 submitters: Uncertain significance (3). Last evaluated 2024-12-29.

Conditions:
Primary ciliary dyskinesia 18. Also called: CILIARY DYSKINESIA, PRIMARY, 18, WITH OR WITHOUT SITUS INVERSUS. Identifiers: Orphanet 244, MedGen C3543825, MONDO:0013940, OMIM 614874.
Primary ciliary dyskinesia. Also called: Ciliary dyskinesia. Identifiers: Orphanet 244, MedGen C0008780, MONDO:0016575, HP:0012265.

Allele frequency attached by ClinVar (database versions not stated): ExAC 0.00005; gnomAD exomes 0.00005 and 0.00007; TOPMed 0.00005; gnomAD 0.00006.

Submissions (3):

Ambry Genetics
Classification: Uncertain significance for Primary ciliary dyskinesia. Last evaluated: 2024-12-29. Review status: criteria provided, single submitter. Criteria: Ambry Variant Classification Scheme 2023. Collection method: clinical testing. Allele origin: germline.

Labcorp Genetics (formerly Invitae), Labcorp
Classification: Uncertain significance for Primary ciliary dyskinesia. Last evaluated: 2022-06-23. Review status: criteria provided, single submitter. Criteria: Invitae Variant Classification Sherloc (09022015). Collection method: clinical testing. Allele origin: germline.
Comment: This sequence change replaces valine, which is neutral and non-polar, with methionine, which is neutral and non-polar, at codon 416 of the DNAAF5 protein (p.Val416Met). This variant is present in population databases (rs775542739, gnomAD 0.009%), including at least one homozygous and/or hemizygous individual. This variant has not been reported in the literature in individuals affected with DNAAF5-related conditions. Algorithms developed to predict the effect of missense changes on protein structure and function are either unavailable or do not agree on the potential impact of this missense change (SIFT: "Deleterious"; PolyPhen-2: "Probably Damaging"; Align-GVGD: "Class C0"). In summary, the available evidence is currently insufficient to determine the role of this variant in disease. Therefore, it has been classified as a Variant of Uncertain Significance.

Fulgent Genetics
Classification: Uncertain significance for Primary ciliary dyskinesia 18. Last evaluated: 2022-01-06. Review status: criteria provided, single submitter. Criteria: ACMG Guidelines, 2015. Collection method: clinical testing. Allele origin: unknown.

NM_017802.4(DNAAF5):c.1246G>A (p.Val416Met)

Gene: DNAAF5 (dynein axonemal assembly factor 5; plus strand). Cytogenetic location: 7p22.3.
Variant type: single nucleotide variant.
Coding change: c.1246G>A on transcript NM_017802.4 (MANE Select); coding-DNA position 1246, G replaced by A.
Protein change: p.Val416Met; replaces valine 416 with methionine.
Molecular consequence: missense variant. On other transcripts: non-coding transcript variant (1).
Genome position (GRCh38, 1-based): chr7:754,810, G>A. VCF-style: chr7-754810-G-A. GRCh37 (hg19) VCF-style: chr7-794447-G-A.
Other names: short protein forms V416M.
Identifiers: ClinVar variation 1390155 (VCV001390155.7), dbSNP rs775542739, ClinGen allele CA4110646.
Genomic context (GRCh38, chr7:754,810, plus strand): 5'-CAGCACCTGGAGGTCGTCCTCCGGACCCTGTTCCAGGCCTGCACCGACGAGGAGGCAGCC[G>A]TGGTCCAAAGTGTAAGTGGCCGTATTCCAGTCGTGGTCGCGGAGCTGTAACTCGAGCTTA-3'
Protein context (NP_060272.3, residues 406-426): FQACTDEEAA[Val416Met]VQSCTRSAEL